The following is an entry in ClinVar:

ClinVar aggregate classification (germline): Pathogenic (1 of 4 stars; one submission).

Conditions:
LAMA2-related muscular dystrophy (LAMA2-RD). Also called: Laminin alpha 2-related dystrophy. Identifiers: MedGen C5679788, MONDO:0100228.

Submission:

Myriad Genetics, Inc.
Classification: Pathogenic for LAMA2-related muscular dystrophy. Last evaluated: 2023-09-09. Review status: criteria provided, single submitter. Criteria: Myriad Autosomal Dominant, Autosomal Recessive and X-Linked Classification Criteria (2023). Collection method: clinical testing. Allele origin: unknown.
Comment: NM_000426.3(LAMA2):c.8616_8617ins13(P2873Tfs*37) is expected to be pathogenic in the context of muscular dystrophy, LAMA2-related. This variant is predicted to lead to an abnormal or absent protein product due to the creation of a premature termination codon in LAMA2, a gene where loss-of-function variants are known to be pathogenic. Please note: this variant was assessed in the context of healthy population screening.

NM_000426.4(LAMA2):c.8616_8617insACTGTCTCTTATA (p.Pro2873fs)

Gene: LAMA2 (laminin subunit alpha 2; plus strand). Cytogenetic location: 6q22.33.
Variant type: Insertion.
Coding change: c.8616_8617insACTGTCTCTTATA on transcript NM_000426.4 (MANE Select); coding-DNA positions 8616 to 8617, ACTGTCTCTTATA inserted.
Protein change: p.Pro2873fs; shifts the reading frame from proline 2873.
Molecular consequence: frameshift variant.
Genome position: GRCh38 VCF-style: chr6-129505268-T-TACTGTCTCTTATA. GRCh37 (hg19) VCF-style: chr6-129826413-T-TACTGTCTCTTATA.
Other names: c.8604_8605insACTGTCTCTTATA, p.Pro2869fs (NM_001079823.2); short protein forms P2869fs, P2873fs.
Identifiers: ClinVar variation 5011619 (VCV005011619.1).